The following is an entry in ClinVar:

ClinVar aggregate classification (germline): Benign/Likely benign. Review status: criteria provided, multiple submitters, no conflicts (2 of 4 stars). 3 submissions from 3 submitters: Benign (1); Likely benign (2). Last evaluated 2025-03-10.

Conditions:
Pheochromocytoma/paraganglioma syndrome 5. Also called: Paragangliomas 5; SDHA-Related Hereditary Paraganglioma-Pheochromocytoma Syndrome. Identifiers: Orphanet 29072, MedGen C3279992, MONDO:0013602, OMIM 614165.
Mitochondrial complex II deficiency, nuclear type 1. Also called: SUCCINATE CoQ REDUCTASE DEFICIENCY. Identifiers: Orphanet 3208, MedGen C5700310, MONDO:0100294, OMIM 252011.
Hereditary cancer-predisposing syndrome. Also called: Tumor predisposition; Neoplastic Syndromes, Hereditary; Hereditary Cancer Syndrome; Hereditary neoplastic syndrome. Identifiers: Orphanet 140162, MedGen C0027672, MeSH D009386, MONDO:0015356.

Allele frequency attached by ClinVar (database versions not stated): gnomAD exomes below 0.00001; gnomAD 0.00001; TOPMed 0.00001.

Submissions (3):

Myriad Genetics, Inc.
Classification: Benign for Pheochromocytoma/paraganglioma syndrome 5. Last evaluated: 2025-03-10. Review status: criteria provided, single submitter. Criteria: Myriad Autosomal Dominant, Autosomal Recessive and X-Linked Classification Criteria (2023). Collection method: clinical testing. Allele origin: unknown.
Comment: This variant is considered benign. This variant is a silent/synonymous amino acid change and it is not expected to impact splicing.

Labcorp Genetics (formerly Invitae), Labcorp
Classification: Likely benign for Pheochromocytoma/paraganglioma syndrome 5; Mitochondrial complex II deficiency, nuclear type 1. Last evaluated: 2024-12-20. Review status: criteria provided, single submitter. Criteria: Invitae Variant Classification Sherloc (09022015). Collection method: clinical testing. Allele origin: germline.

Ambry Genetics
Classification: Likely benign for Hereditary cancer-predisposing syndrome. Last evaluated: 2024-09-02. Review status: criteria provided, single submitter. Criteria: Ambry Variant Classification Scheme 2023. Collection method: clinical testing. Allele origin: germline.

NM_004168.4(SDHA):c.1605T>C (p.Gly535=)

Gene: SDHA (succinate dehydrogenase complex flavoprotein subunit A; plus strand). Cytogenetic location: 5p15.33.
Variant type: single nucleotide variant.
Coding change: c.1605T>C on transcript NM_004168.4 (MANE Select); coding-DNA position 1605, T replaced by C.
Protein change: p.Gly535=; no amino-acid change (glycine 535 retained).
Molecular consequence: synonymous variant. On other transcripts: intron variant (1).
Genome position (GRCh38, 1-based): chr5:251,045, T>C. VCF-style: chr5-251045-T-C. GRCh37 (hg19) VCF-style: chr5-251160-T-C.
Other names: c.1461T>C, p.Gly487= (NM_001294332.2); c.1552-3348T>C (NM_001330758.2); c.1605T>C (NM_004168.2).
Identifiers: ClinVar variation 1100364 (VCV001100364.11), dbSNP rs1219265731, ClinGen allele CA442657286.